The following is an entry in ClinVar:

NM_024741.3(ZNF408):c.1682G>A (p.Arg561Gln)

Gene: ZNF408 (zinc finger protein 408; plus strand). Cytogenetic location: 11p11.2.
Variant type: single nucleotide variant.
Coding change: c.1682G>A on transcript NM_024741.3 (MANE Select); coding-DNA position 1682, G replaced by A.
Protein change: p.Arg561Gln; replaces arginine 561 with glutamine.
Molecular consequence: missense variant.
Genome position (GRCh38, 1-based): chr11:46,705,382, G>A. VCF-style: chr11-46705382-G-A. GRCh37 (hg19) VCF-style: chr11-46726932-G-A.
Other names: c.1658G>A, p.Arg553Gln (NM_001184751.2); short protein forms R553Q, R561Q.
Identifiers: ClinVar variation 1368738 (VCV001368738.6), dbSNP rs1268650032, ClinGen allele CA380257113.

ClinVar aggregate classification (germline): Uncertain significance (1 of 4 stars; one submission).

Allele frequency attached by ClinVar (database versions not stated): gnomAD exomes below 0.00001.

Submission:

Labcorp Genetics (formerly Invitae), Labcorp
Classification: Uncertain significance. Last evaluated: 2024-03-30. Review status: criteria provided, single submitter. Criteria: Invitae Variant Classification Sherloc (09022015). Collection method: clinical testing. Allele origin: germline.
Comment: This sequence change replaces arginine, which is basic and polar, with glutamine, which is neutral and polar, at codon 561 of the ZNF408 protein (p.Arg561Gln). The frequency data for this variant in the population databases is considered unreliable, as metrics indicate poor data quality at this position in the gnomAD database. This variant has not been reported in the literature in individuals affected with ZNF408-related conditions. ClinVar contains an entry for this variant (Variation ID: 1368738). An algorithm developed to predict the effect of missense changes on protein structure and function (PolyPhen-2) suggests that this variant is likely to be disruptive. In summary, the available evidence is currently insufficient to determine the role of this variant in disease. Therefore, it has been classified as a Variant of Uncertain Significance.